The following is an entry in ClinVar:

ClinVar aggregate classification (germline): Uncertain significance (1 of 4 stars; one submission).

Allele frequency attached by ClinVar (database versions not stated): ExAC 0.00005; gnomAD exomes 0.00006; TOPMed 0.00003; ESP Exome Variant Server 0.00008; gnomAD 0.00001.
gnomAD v4.1: 17 of 1,613,152 alleles (0.0011%); highest among the groups gnomAD compares: Admixed American, 0.027%; no homozygotes.

Submission:

GeneDx
Classification: Uncertain significance. Last evaluated: 2021-09-14. Review status: criteria provided, single submitter. Criteria: GeneDx Variant Classification Process June 2021. Collection method: clinical testing. Allele origin: germline. Affected: yes.
Comment: Has not been previously published as pathogenic or benign to our knowledge; In silico analysis, which includes protein predictors and evolutionary conservation, supports that this variant does not alter protein structure/function

NM_020639.3(RIPK4):c.1049C>T (p.Pro350Leu)

Gene: RIPK4 (receptor interacting serine/threonine kinase 4; minus strand). Cytogenetic location: 21q22.3.
Variant type: single nucleotide variant.
Coding change: c.1049C>T on transcript NM_020639.3 (MANE Select); coding-DNA position 1049, C replaced by T.
Protein change: p.Pro350Leu; replaces proline 350 with leucine.
Molecular consequence: missense variant.
Genome position (GRCh38, 1-based): chr21:41,744,028, G>A on the plus strand (C>T on the coding strand, the complement: RIPK4 is on the minus strand). VCF-style: chr21-41744028-G-A. GRCh37 (hg19) VCF-style: chr21-43164188-G-A.
Other names: short protein forms P350L.
Identifiers: ClinVar variation 1301198 (VCV001301198.2), dbSNP rs370587869, ClinGen allele CA10035416.